The following is an entry in ClinVar:

ClinVar aggregate classification (germline): Uncertain significance (1 of 4 stars; one submission).

Submission:

Labcorp Genetics (formerly Invitae), Labcorp
Classification: Uncertain significance. Last evaluated: 2025-06-15. Review status: criteria provided, single submitter. Criteria: Invitae Variant Classification Sherloc (09022015). Collection method: clinical testing. Allele origin: germline.
Comment: This variant, c.27_38del, results in the deletion of 4 amino acid(s) of the TGFB1 protein (p.Leu13_Leu16del), but otherwise preserves the integrity of the reading frame. This variant is present in population databases (no rsID available, gnomAD 0.008%). This variant has not been reported in the literature in individuals affected with TGFB1-related conditions. ClinVar contains an entry for this variant (Variation ID: 3694505). Experimental studies and prediction algorithms are not available or were not evaluated, and the functional significance of this variant is currently unknown. In summary, the available evidence is currently insufficient to determine the role of this variant in disease. Therefore, it has been classified as a Variant of Uncertain Significance.

NM_000660.7(TGFB1):c.27_38del (p.9LPLL[1])

Gene: TGFB1 (transforming growth factor beta 1; minus strand). Cytogenetic location: 19q13.2.
Variant type: Deletion.
Coding change: c.27_38del on transcript NM_000660.7 (MANE Select); coding-DNA positions 27 to 38, 12 bases deleted (GCCGCTGCTGCT).
Protein change: p.9LPLL[1].
Genome position (GRCh38, 1-based): chr19:41,353,007-41,353,018, AGCAGCAGCGGC deleted on the plus strand (GCCGCTGCTGCT on the coding strand, the reverse complement: TGFB1 is on the minus strand); deleting any 12 consecutive bases within chr19:41,353,007-41,353,024 gives the same sequence; the c. name uses the placement nearest the transcript's 3' end. VCF-style (leftmost placement, unchanged base first): chr19-41353006-TAGCAGCAGCGGC-T. GRCh37 (hg19) VCF-style: chr19-41858911-TAGCAGCAGCGGC-T.
Identifiers: ClinVar variation 3694505 (VCV003694505.2).
Genomic context (GRCh38, chr19:41,353,006, plus strand): 5'-GCAGGTGGATAGTCCCGCGGCCGGCCGGCCAGGCGTCAGCACCAGTAGCCACAGCAGCGG[TAGCAGCAGCGGC>T]AGCAGCCGCAGCCCGGAGGGCGGCATGGGGGAGGCGGCGCCCCCCGGCACTGCCGAGAGC-3'